The following is an entry in ClinVar:

ClinVar aggregate classification (germline): Uncertain significance. Review status: criteria provided, multiple submitters, no conflicts (2 of 4 stars). 2 submissions from 2 submitters: Uncertain significance (2). Last evaluated 2025-03-02.

Conditions:
Hypertrophic cardiomyopathy. Also called: HYPERTROPHIC MYOCARDIOPATHY. Identifiers: Orphanet 217569, MedGen C0007194, MeSH D002312, MONDO:0005045, HP:0001639.
Cardiovascular phenotype. Identifiers: MedGen CN230736.

Allele frequency attached by ClinVar (database versions not stated): gnomAD exomes below 0.00001 and 0.00001; TOPMed 0.00002; gnomAD 0.00003 and 0.00004.
gnomAD v4.1: 9 of 1,613,852 alleles (0.00056%); highest among the groups gnomAD compares: African/African-American, 0.011%; no homozygotes.

Submissions (2):

Ambry Genetics
Classification: Uncertain significance for Cardiovascular phenotype. Last evaluated: 2025-03-02. Review status: criteria provided, single submitter. Criteria: Ambry Variant Classification Scheme 2023. Collection method: clinical testing. Allele origin: germline.
Comment: The p.P135T variant (also known as c.403C>A), located in coding exon 4 of the MYOZ2 gene, results from a C to A substitution at nucleotide position 403. The proline at codon 135 is replaced by threonine, an amino acid with highly similar properties. This amino acid position is conserved. In addition, the in silico prediction for this alteration is inconclusive. Since supporting evidence is limited at this time, the clinical significance of this alteration remains unclear.

Labcorp Genetics (formerly Invitae), Labcorp
Classification: Uncertain significance for Hypertrophic cardiomyopathy. Last evaluated: 2024-02-17. Review status: criteria provided, single submitter. Criteria: Invitae Variant Classification Sherloc (09022015). Collection method: clinical testing. Allele origin: germline.
Comment: This sequence change replaces proline, which is neutral and non-polar, with threonine, which is neutral and polar, at codon 135 of the MYOZ2 protein (p.Pro135Thr). This variant is present in population databases (rs144720577, gnomAD 0.01%). This variant has not been reported in the literature in individuals affected with MYOZ2-related conditions. ClinVar contains an entry for this variant (Variation ID: 1389911). Advanced modeling of protein sequence and biophysical properties (such as structural, functional, and spatial information, amino acid conservation, physicochemical variation, residue mobility, and thermodynamic stability) performed at Invitae indicates that this missense variant is not expected to disrupt MYOZ2 protein function with a negative predictive value of 80%. In summary, the available evidence is currently insufficient to determine the role of this variant in disease. Therefore, it has been classified as a Variant of Uncertain Significance.

NM_016599.5(MYOZ2):c.403C>A (p.Pro135Thr)

Gene: MYOZ2 (myozenin 2; plus strand). Cytogenetic location: 4q26.
Variant type: single nucleotide variant.
Coding change: c.403C>A on transcript NM_016599.5 (MANE Select); coding-DNA position 403, C replaced by A.
Protein change: p.Pro135Thr; replaces proline 135 with threonine.
Molecular consequence: missense variant.
Genome position (GRCh38, 1-based): chr4:119,164,237, C>A. VCF-style: chr4-119164237-C-A. GRCh37 (hg19) VCF-style: chr4-120085392-C-A.
Other names: c.403C>A (NM_016599.4); short protein forms P135T.
Identifiers: ClinVar variation 1389911 (VCV001389911.10), dbSNP rs144720577, ClinGen allele CA3058630.